The following is an entry in ClinVar:

NM_020366.4(RPGRIP1):c.2504A>G (p.Asp835Gly)

Gene: RPGRIP1 (RPGR interacting protein 1; plus strand). Cytogenetic location: 14q11.2.
Variant type: single nucleotide variant.
Coding change: c.2504A>G on transcript NM_020366.4 (MANE Select); coding-DNA position 2504, A replaced by G.
Protein change: p.Asp835Gly; replaces aspartic acid 835 with glycine.
Molecular consequence: missense variant. On other transcripts: intron variant (4).
Genome position (GRCh38, 1-based): chr14:21,325,967, A>G. VCF-style: chr14-21325967-A-G. GRCh37 (hg19) VCF-style: chr14-21794126-A-G.
Other names: c.1430A>G, p.Asp477Gly (NM_001377948.1); c.796+1242A>G (NM_001377949.1); c.689-1656A>G (NM_001377523.1, NM_001377950.1); c.191-1656A>G (NM_001377951.1); short protein forms D835G, D477G.
Identifiers: ClinVar variation 498882 (VCV000498882.10), dbSNP rs749361825, ClinGen allele CA7089278.
Genomic context (GRCh38, chr14:21,325,967, plus strand): 5'-GGCTGGGAACTCAACCCAGTCCATATGCTGTGTACCGCTTCTTCACCTTTTCTGACCATG[A>G]CACTGCCATCATTCCAGCCAGTAACAACCCCTACTTTAGAGACCAGGCTCGATTCCCAGT-3'
Protein context (NP_065099.3, residues 825-845): VYRFFTFSDH[Asp835Gly]TAIIPASNNP

ClinVar aggregate classification (germline): Uncertain significance. Review status: criteria provided, multiple submitters, no conflicts (2 of 4 stars). 3 submissions from 3 submitters: Uncertain significance (3). Last evaluated 2023-12-28.

Conditions:
Leber congenital amaurosis 6 (LCA6). Identifiers: Orphanet 65, MedGen C1854260, MONDO:0013446, OMIM 613826.
Cone-rod dystrophy 13 (CORD13). Identifiers: Orphanet 1872, MedGen C2750720, MONDO:0011987, OMIM 608194.

Allele frequency attached by ClinVar (database versions not stated): gnomAD exomes 0.00004; gnomAD below 0.00001 and 0.00001; ExAC 0.00004.
gnomAD v4.1: 24 of 1,613,820 alleles (0.0015%); highest among the groups gnomAD compares: South Asian, 0.025%; no homozygotes.

Submissions (3):

Blueprint Genetics
Classification: Uncertain significance. Last evaluated: 2023-12-28. Review status: criteria provided, single submitter. Criteria: ACMG Guidelines, 2015. Collection method: clinical testing. Allele origin: germline.

Labcorp Genetics (formerly Invitae), Labcorp
Classification: Uncertain significance for Leber congenital amaurosis 6; Cone-rod dystrophy 13. Last evaluated: 2022-05-13. Review status: criteria provided, single submitter. Criteria: Invitae Variant Classification Sherloc (09022015). Collection method: clinical testing. Allele origin: germline.
Comment: This sequence change replaces aspartic acid, which is acidic and polar, with glycine, which is neutral and non-polar, at codon 835 of the RPGRIP1 protein (p.Asp835Gly). This variant is present in population databases (rs749361825, gnomAD 0.03%). This variant has not been reported in the literature in individuals affected with RPGRIP1-related conditions. ClinVar contains an entry for this variant (Variation ID: 498882). Algorithms developed to predict the effect of missense changes on protein structure and function output the following: SIFT: "Tolerated"; PolyPhen-2: "Benign"; Align-GVGD: "Class C0". The glycine amino acid residue is found in multiple mammalian species, which suggests that this missense change does not adversely affect protein function. In summary, the available evidence is currently insufficient to determine the role of this variant in disease. Therefore, it has been classified as a Variant of Uncertain Significance.

Eurofins Ntd Llc (ga)
Classification: Uncertain significance. Last evaluated: 2018-06-14. Review status: criteria provided, single submitter. Criteria: EGL ClinVar v180209 classification definitions. Collection method: clinical testing. Allele origin: germline. Observed: 1 variant allele, 1 heterozygote.